The following is an entry in ClinVar:

NM_000051.4(ATM):c.6614G>T (p.Trp2205Leu)

Genes: C11orf65 (chromosome 11 open reading frame 65; minus strand), ATM (ATM serine/threonine kinase; plus strand). Cytogenetic location: 11q22.3.
Variant type: single nucleotide variant.
Coding change: c.6614G>T on transcript NM_000051.4 (MANE Select); coding-DNA position 6614, G replaced by T.
Protein change: p.Trp2205Leu; replaces tryptophan 2205 with leucine.
Molecular consequence: missense variant. On other transcripts: intron variant (2).
Genome position (GRCh38, 1-based): chr11:108,325,351, G>T. VCF-style: chr11-108325351-G-T. GRCh37 (hg19) VCF-style: chr11-108196078-G-T.
Other names: c.6614G>T, p.Trp2205Leu (NM_001351834.2); c.641-16280C>A (NM_001330368.2); c.*38+9869C>A (NM_001351110.2); short protein forms W2205L.
Identifiers: ClinVar variation 4747242 (VCV004747242.1).

ClinVar aggregate classification (germline): Uncertain significance (1 of 4 stars; one submission).

Conditions:
Ataxia-telangiectasia syndrome (AT). Also called: LOUIS-BAR SYNDROME; Cerebello-oculocutaneous telangiectasia; Immunodeficiency with ataxia telangiectasia; Ataxia-telangiectasia, complementation group D; AT, COMPLEMENTATION GROUP C; ATAXIA-TELANGIECTASIA, COMPLEMENTATION GROUP A. Identifiers: Orphanet 100, MedGen C0004135, MONDO:0008840, OMIM 208900.

Submission:

Labcorp Genetics (formerly Invitae), Labcorp
Classification: Uncertain significance for Ataxia-telangiectasia syndrome. Last evaluated: 2025-10-06. Review status: criteria provided, single submitter. Criteria: Invitae Variant Classification Sherloc (09022015). Collection method: clinical testing. Allele origin: germline.
Comment: This sequence change replaces tryptophan, which is neutral and slightly polar, with leucine, which is neutral and non-polar, at codon 2205 of the ATM protein (p.Trp2205Leu). This variant is not present in population databases (gnomAD no frequency). This variant has not been reported in the literature in individuals affected with ATM-related conditions. Invitae Evidence Modeling of protein sequence and biophysical properties (such as structural, functional, and spatial information, amino acid conservation, physicochemical variation, residue mobility, and thermodynamic stability) indicates that this missense variant is expected to disrupt ATM protein function with a positive predictive value of 95%. In summary, the available evidence is currently insufficient to determine the role of this variant in disease. Therefore, it has been classified as a Variant of Uncertain Significance.